The following is an entry in ClinVar:

ClinVar aggregate classification (germline): Pathogenic (1 of 4 stars; one submission).

Conditions:
Joubert syndrome. Also called: CEREBELLOPARENCHYMAL DISORDER IV; JOUBERT-BOLTSHAUSER SYNDROME; Familial aplasia of the vermis. Identifiers: Orphanet 475, MedGen C5979921, MONDO:0018772.
Meckel-Gruber syndrome. Also called: DYSENCEPHALIA SPLANCHNOCYSTICA; GRUBER SYNDROME; Dysencephalia splachnocystica. Identifiers: Orphanet 564, MedGen C0265215, MONDO:0018921.

Submission:

Labcorp Genetics (formerly Invitae), Labcorp
Classification: Pathogenic for Joubert syndrome; Meckel-Gruber syndrome. Last evaluated: 2023-03-08. Review status: criteria provided, single submitter. Criteria: Invitae Variant Classification Sherloc (09022015). Collection method: clinical testing. Allele origin: unknown.
Comment: For these reasons, this variant has been classified as Pathogenic. This variant disrupts a region of the CC2D2A protein in which other variant(s) (p.Asp1556Val ) have been determined to be pathogenic (PMID: 19777577, 22241855, 22425360, 23012439, 26092869, 26477546). This suggests that this is a clinically significant region of the protein, and that variants that disrupt it are likely to be disease-causing. This variant has not been reported in the literature in individuals affected with CC2D2A-related conditions. This variant is a gross deletion of the genomic region encompassing exon(s) 36-38 of the CC2D2A gene, which includes the termination codon. This deletion extends beyond the assayed region for this gene and therefore may encompass additional genes. While this deletion is not anticipated to lead to nonsense mediated decay, it is expected to alter mRNA translation or result in a truncated protein product.

Literature cited by the submitters: PubMed 19777577; PubMed 22241855; PubMed 22425360; PubMed 23012439; PubMed 26092869; PubMed 26477546.

NC_000004.11:g.(?_15599010)_(15603048_?)del

Gene: CC2D2A (coiled-coil and C2 domain containing 2A; plus strand). Cytogenetic location: 4p15.32.
Variant type: Deletion.
Identifiers: ClinVar variation 3246614 (VCV003246614.1).